The following is an entry in ClinVar:

ClinVar aggregate classification (germline): Conflicting classifications of pathogenicity. Review status: criteria provided, conflicting classifications (1 of 4 stars). 8 submissions from 8 submitters: Uncertain significance (6); Likely benign (1). 1 of the submissions does not count toward it. Last evaluated 2025-07-09.

Conditions:
Wilson disease (WND). Also called: Wilson's disease. Identifiers: Orphanet 905, MedGen C0019202, MONDO:0010200, OMIM 277900. Disease mechanism: loss of function.

gnomAD v4.1: 37 of 1,613,966 alleles (0.0023%); highest among the groups gnomAD compares: Non-Finnish European, 0.003%; no homozygotes.

Submissions (8):

Color Diagnostics, LLC DBA Color Health
Classification: Likely benign for Wilson disease. Last evaluated: 2025-07-09. Review status: criteria provided, single submitter. Criteria: ACMG Guidelines, 2015. Collection method: clinical testing. Allele origin: germline.

Mayo Clinic Laboratories, Mayo Clinic
Classification: Uncertain significance. Last evaluated: 2025-01-29. Review status: criteria provided, single submitter. Criteria: ACMG Guidelines, 2015. Collection method: clinical testing. Allele origin: germline. Observed: 1 variant allele.
Comment: BP4_moderate, PM2_supporting

All of Us Research Program, National Institutes of Health
Classification: Uncertain significance for Wilson disease. Last evaluated: 2024-08-06. Review status: criteria provided, single submitter. Criteria: ACMG Guidelines, 2015. Collection method: clinical testing. Allele origin: germline. Inheritance: Autosomal recessive inheritance. Observed: 15 variant alleles, 15 heterozygotes.
Comment: This missense variant replaces serine with threonine at codon 406 of the ATP7B protein. Computational prediction suggests that this variant may not impact protein structure and function (internally defined REVEL score threshold <= 0.5, PMID: 27666373). To our knowledge, functional studies have not been reported for this variant. This variant has not been reported in individuals affected with ATP7B-related disorders in the literature. This variant has been identified in 5/249516 chromosomes in the general population by the Genome Aggregation Database (gnomAD). The available evidence is insufficient to determine the role of this variant in disease conclusively. Therefore, this variant is classified as a Variant of Uncertain Significance.

This study involves interpretation of variants in research participants for the purpose of population health screening. Participant phenotype was not available at the time of variant classification. Additional details can be found in publication PMID: 35346344, PMCID: PMC8962531

Labcorp Genetics (formerly Invitae), Labcorp
Classification: Uncertain significance for Wilson disease. Last evaluated: 2021-12-09. Review status: criteria provided, single submitter. Criteria: Invitae Variant Classification Sherloc (09022015). Collection method: clinical testing. Allele origin: germline.
Comment: This sequence change replaces serine, which is neutral and polar, with threonine, which is neutral and polar, at codon 406 of the ATP7B protein (p.Ser406Thr). This variant is present in population databases (rs1801243, gnomAD 0.004%). This variant has not been reported in the literature in individuals affected with ATP7B-related conditions. ClinVar contains an entry for this variant (Variation ID: 883817). Advanced modeling of protein sequence and biophysical properties (such as structural, functional, and spatial information, amino acid conservation, physicochemical variation, residue mobility, and thermodynamic stability) performed at Invitae indicates that this missense variant is not expected to disrupt ATP7B protein function. In summary, the available evidence is currently insufficient to determine the role of this variant in disease. Therefore, it has been classified as a Variant of Uncertain Significance.

GeneDx
Classification: Uncertain significance. Last evaluated: 2021-11-10. Review status: criteria provided, single submitter. Criteria: GeneDx Variant Classification Process June 2021. Collection method: clinical testing. Allele origin: germline. Affected: yes.
Comment: Not observed at significant frequency in large population cohorts (gnomAD); In silico analysis supports that this missense variant does not alter protein structure/function; Has not been previously published as pathogenic or benign to our knowledge

Genome-Nilou Lab
Classification: Uncertain significance for Wilson disease. Last evaluated: 2021-09-05. Review status: criteria provided, single submitter. Criteria: ACMG Guidelines, 2015. Collection method: clinical testing. Allele origin: germline. Affected: no.

Illumina Laboratory Services, Illumina
Classification: Uncertain significance for Wilson disease. Last evaluated: 2018-03-20. Review status: criteria provided, single submitter. Criteria: ICSL Variant Classification Criteria 13 December 2019. Collection method: clinical testing. Allele origin: germline.

Natera, Inc.
Classification: Uncertain significance for Wilson disease. Last evaluated: 2020-04-29. Review status: no assertion criteria provided. Collection method: clinical testing. Allele origin: germline. Not counted in ClinVar's aggregate classification.

NM_000053.4(ATP7B):c.1216T>A (p.Ser406Thr)

Gene: ATP7B (ATPase copper transporting beta; minus strand). Cytogenetic location: 13q14.3.
Variant type: single nucleotide variant.
Coding change: c.1216T>A on transcript NM_000053.4 (MANE Select); coding-DNA position 1216, T replaced by A.
Protein change: p.Ser406Thr; replaces serine 406 with threonine.
Molecular consequence: missense variant.
Genome position (GRCh38, 1-based): chr13:51,974,004, A>T on the plus strand (T>A on the coding strand, the complement: ATP7B is on the minus strand). VCF-style: chr13-51974004-A-T. GRCh37 (hg19) VCF-style: chr13-52548140-A-T.
Other names: p.Ser406Thr; c.1216T>A, p.Ser406Thr (NM_001005918.3, NM_001330578.2, NM_001330579.2); c.883T>A, p.Ser295Thr (NM_001243182.2); short protein forms S406T, S295T.
Identifiers: ClinVar variation 883817 (VCV000883817.18), dbSNP rs1801243, ClinGen allele CA6989411.